The following is an entry in ClinVar:

ClinVar aggregate classification (germline): Uncertain significance (1 of 4 stars; one submission).

Submission:

GeneDx
Classification: Uncertain significance. Last evaluated: 2024-02-14. Review status: criteria provided, single submitter. Criteria: GeneDx Variant Classification Process June 2021. Collection method: clinical testing. Allele origin: germline. Affected: yes.
Comment: Not observed at significant frequency in large population cohorts (gnomAD); In silico analysis supports that this missense variant does not alter protein structure/function; Has not been previously published as pathogenic or benign to our knowledge

NM_000214.3(JAG1):c.360C>G (p.Ile120Met)

Gene: JAG1 (jagged canonical Notch ligand 1; minus strand). Cytogenetic location: 20p12.2.
Variant type: single nucleotide variant.
Coding change: c.360C>G on transcript NM_000214.3 (MANE Select); coding-DNA position 360, C replaced by G.
Protein change: p.Ile120Met; replaces isoleucine 120 with methionine.
Molecular consequence: missense variant.
Genome position (GRCh38, 1-based): chr20:10,672,728, G>C on the plus strand (C>G on the coding strand, the complement: JAG1 is on the minus strand). VCF-style: chr20-10672728-G-C. GRCh37 (hg19) VCF-style: chr20-10653376-G-C.
Other names: short protein forms I120M.
Identifiers: ClinVar variation 3361768 (VCV003361768.1).